The following is an entry in ClinVar:

ClinVar aggregate classification (germline): Likely pathogenic (1 of 4 stars; one submission).

Conditions:
CEBALID syndrome (CEBALID). Also called: CRANIOFACIAL DEFECTS, DYSMORPHIC EARS, STRUCTURAL BRAIN ABNORMALITIES, EXPRESSIVE LANGUAGE DELAY, AND IMPAIRED INTELLECTUAL DEVELOPMENT; MN1 C-TERMINAL TRUNCATION SYNDROME. Identifiers: Orphanet 693549, MedGen C5394044, MONDO:0032908, OMIM 618774.

Submission:

3billion
Classification: Likely pathogenic for CEBALID syndrome. Last evaluated: 2025-01-08. Review status: criteria provided, single submitter. Criteria: ACMG Guidelines, 2015. Collection method: clinical testing. Allele origin: germline. Affected: yes.
Comment: The variant is not observed in the gnomAD v4.1.0 dataset. Predicted Consequence/Location: Frameshift: predicted to result in a loss or disruption of normal protein function through nonsense-mediated decay (NMD) or protein truncation. Multiple pathogenic variants are reported downstream of the variant. Therefore, this variant is classified as Likely pathogenic according to the recommendation of ACMG/AMP guideline.

NM_002430.3(MN1):c.3474_3484del (p.Gln1159fs)

Gene: MN1 (MN1 proto-oncogene, transcriptional regulator; minus strand). Cytogenetic location: 22q12.1.
Variant type: Deletion.
Coding change: c.3474_3484del on transcript NM_002430.3 (MANE Select); coding-DNA positions 3474 to 3484, 11 bases deleted (GCAGATCCAGC).
Protein change: p.Gln1159fs; shifts the reading frame from glutamine 1159.
Molecular consequence: frameshift variant.
Genome position (GRCh38, 1-based): chr22:27,797,060-27,797,070, GCTGGATCTGC deleted on the plus strand (GCAGATCCAGC on the coding strand, the reverse complement: MN1 is on the minus strand); deleting any 11 consecutive bases within chr22:27,797,060-27,797,072 gives the same sequence; the c. name uses the placement nearest the transcript's 3' end. VCF-style (leftmost placement, unchanged base first): chr22-27797059-AGCTGGATCTGC-A. GRCh37 (hg19) VCF-style: chr22-28193047-AGCTGGATCTGC-A.
Other names: short protein forms Q1159fs.
Identifiers: ClinVar variation 4292252 (VCV004292252.1).